The following is an entry in ClinVar:

ClinVar aggregate classification (germline): Uncertain significance (1 of 4 stars; one submission).

Conditions:
Hereditary cancer-predisposing syndrome. Also called: Neoplastic Syndromes, Hereditary; Hereditary neoplastic syndrome; Tumor predisposition; Hereditary Cancer Syndrome. Identifiers: Orphanet 140162, MedGen C0027672, MeSH D009386, MONDO:0015356.

Submission:

Labcorp Genetics (formerly Invitae), Labcorp
Classification: Uncertain significance for Hereditary cancer-predisposing syndrome. Last evaluated: 2023-04-15. Review status: criteria provided, single submitter. Criteria: Invitae Variant Classification Sherloc (09022015). Collection method: clinical testing. Allele origin: germline.
Comment: In summary, the available evidence is currently insufficient to determine the role of this variant in disease. Therefore, it has been classified as a Variant of Uncertain Significance. Advanced modeling of protein sequence and biophysical properties (such as structural, functional, and spatial information, amino acid conservation, physicochemical variation, residue mobility, and thermodynamic stability) performed at Invitae indicates that this missense variant is expected to disrupt RAD50 protein function. This variant has not been reported in the literature in individuals affected with RAD50-related conditions. This variant is not present in population databases (gnomAD no frequency). This sequence change replaces arginine, which is basic and polar, with proline, which is neutral and non-polar, at codon 254 of the RAD50 protein (p.Arg254Pro).

NM_005732.4(RAD50):c.761G>C (p.Arg254Pro)

Gene: RAD50 (RAD50 double strand break repair protein; plus strand). Cytogenetic location: 5q31.1.
Variant type: single nucleotide variant.
Coding change: c.761G>C on transcript NM_005732.4 (MANE Select); coding-DNA position 761, G replaced by C.
Protein change: p.Arg254Pro; replaces arginine 254 with proline.
Molecular consequence: missense variant.
Genome position (GRCh38, 1-based): chr5:132,587,566, G>C. VCF-style: chr5-132587566-G-C. GRCh37 (hg19) VCF-style: chr5-131923258-G-C.
Other names: short protein forms R254P.
Identifiers: ClinVar variation 2856467 (VCV002856467.3), dbSNP rs769196703, ClinGen allele CA360939991.